The following is an entry in ClinVar:

ClinVar aggregate classification (germline): Uncertain significance (1 of 4 stars; one submission).

Conditions:
Hereditary cancer-predisposing syndrome. Also called: Neoplastic Syndromes, Hereditary; Tumor predisposition; Hereditary Cancer Syndrome; Hereditary neoplastic syndrome. Identifiers: Orphanet 140162, MedGen C0027672, MeSH D009386, MONDO:0015356.

Submission:

Ambry Genetics
Classification: Uncertain significance for Hereditary cancer-predisposing syndrome. Last evaluated: 2022-08-04. Review status: criteria provided, single submitter. Criteria: Ambry Variant Classification Scheme 2023. Collection method: clinical testing. Allele origin: germline.
Comment: The p.P229L variant (also known as c.686C>T), located in coding exon 4 of the PALB2 gene, results from a C to T substitution at nucleotide position 686. The proline at codon 229 is replaced by leucine, an amino acid with similar properties. This amino acid position is conserved. In addition, this alteration is predicted to be tolerated by in silico analysis. Since supporting evidence is limited at this time, the clinical significance of this alteration remains unclear.

NM_024675.4(PALB2):c.686C>T (p.Pro229Leu)

Gene: PALB2 (partner and localizer of BRCA2; minus strand). Cytogenetic location: 16p12.2.
Variant type: single nucleotide variant.
Coding change: c.686C>T on transcript NM_024675.4 (MANE Select); coding-DNA position 686, C replaced by T.
Protein change: p.Pro229Leu; replaces proline 229 with leucine.
Molecular consequence: missense variant.
Genome position (GRCh38, 1-based): chr16:23,635,860, G>A on the plus strand (C>T on the coding strand, the complement: PALB2 is on the minus strand). VCF-style: chr16-23635860-G-A. GRCh37 (hg19) VCF-style: chr16-23647181-G-A.
Other names: c.626C>T, p.Pro209Leu (NM_001407296.1); c.686C>T, p.Pro229Leu (NM_001407297.1, NM_001407298.1, NM_001407299.1 and 3 more transcripts); c.-200C>T (NM_001407304.1, NM_001407305.1, NM_001407306.1 and 5 more transcripts); short protein forms P209L, P229L.
Identifiers: ClinVar variation 1755881 (VCV001755881.2), dbSNP rs368477874, ClinGen allele CA395136410.